The following is an entry in ClinVar:

ClinVar aggregate classification (germline): Conflicting classifications of pathogenicity. Review status: criteria provided, conflicting classifications (1 of 4 stars). 5 submissions from 4 submitters: Uncertain significance (1); Benign (1); Likely benign (3). Last evaluated 2024-10-28.

Conditions:
Retinal dystrophy. Also called: Inherited retinal dystrophy. Identifiers: Orphanet 71862, MedGen C0854723, MeSH D058499, MONDO:0019118, HP:0000556.
Retinitis pigmentosa (RP). Identifiers: Orphanet 791, MedGen C0035334, MeSH D012174, MONDO:0019200, OMIM 268000. Inheritance: Autosomal dominant, autosomal recessive and X linked inheritance.
Congenital stationary night blindness autosomal dominant 2. Also called: NIGHT BLINDNESS, CONGENITAL STATIONARY, RAMBUSCH TYPE. Identifiers: Orphanet 215, MedGen C1876182, MONDO:0008099, OMIM 163500.

Allele frequency attached by ClinVar (database versions not stated): gnomAD 0.00006; TOPMed 0.00006; 1000 Genomes Project 30x 0.00062; 1000 Genomes Project 0.00080.
gnomAD v4.1: 158 of 1,603,716 alleles (0.0099%); highest among the groups gnomAD compares: East Asian, 0.27%; no homozygotes.

Submissions (5):

Labcorp Genetics (formerly Invitae), Labcorp
Classification: Likely benign. Last evaluated: 2024-10-28. Review status: criteria provided, single submitter. Criteria: Invitae Variant Classification Sherloc (09022015). Collection method: clinical testing. Allele origin: germline.

Dept Of Ophthalmology, Nagoya University
Classification: Likely benign for Retinal dystrophy. Last evaluated: 2023-10-01. Review status: criteria provided, single submitter. Criteria: Submitter's publication. Collection method: research. Allele origin: germline. Affected: yes.

Blueprint Genetics
Classification: Likely benign. Last evaluated: 2022-12-01. Review status: criteria provided, single submitter. Criteria: ACMG Guidelines, 2015. Collection method: clinical testing. Allele origin: germline.

Illumina Laboratory Services, Illumina
Classification: Uncertain significance for Retinitis pigmentosa. Last evaluated: 2018-01-12. Review status: criteria provided, single submitter. Criteria: ICSL Variant Classification Criteria 13 December 2019. Collection method: clinical testing. Allele origin: germline.

Illumina Laboratory Services, Illumina
Classification: Benign for Congenital stationary night blindness autosomal dominant 2. Last evaluated: 2018-01-12. Review status: criteria provided, single submitter. Criteria: ICSL Variant Classification Criteria 13 December 2019. Collection method: clinical testing. Allele origin: germline.
Comment: This variant was observed in the ICSL laboratory as part of a predisposition screen in an ostensibly healthy population. It had not been previously curated by ICSL or reported in the Human Gene Mutation Database (HGMD: prior to June 1st, 2018), and was therefore a candidate for classification through an automated scoring system. Utilizing variant allele frequency, disease prevalence and penetrance estimates, and inheritance mode, an automated score was calculated to assess if this variant is too frequent to cause the disease. Based on the score and internal cut-off values, a variant classified as benign is not then subjected to further curation. The score for this variant resulted in a classification of benign for this disease.

NM_000283.4(PDE6B):c.699G>A (p.Thr233=)

Gene: PDE6B (phosphodiesterase 6B; plus strand). Cytogenetic location: 4p16.3.
Variant type: single nucleotide variant.
Coding change: c.699G>A on transcript NM_000283.4 (MANE Select); coding-DNA position 699, G replaced by A.
Protein change: p.Thr233=; no amino-acid change (threonine 233 retained).
Molecular consequence: synonymous variant.
Genome position (GRCh38, 1-based): chr4:635,957, G>A. VCF-style: chr4-635957-G-A. GRCh37 (hg19) VCF-style: chr4-629746-G-A.
Other names: c.699G>A, p.Thr233= (NM_001145291.2).
Identifiers: ClinVar variation 349314 (VCV000349314.17), dbSNP rs148264146, ClinGen allele CA2794056.